The following is an entry in ClinVar:

ClinVar aggregate classification (germline): Uncertain significance (1 of 4 stars; one submission).

Conditions:
SLC2A10-related disorder. Also called: SLC2A10-related condition.

Allele frequency attached by ClinVar (database versions not stated): TOPMed 0.00002.

Submission:

PreventionGenetics, part of Exact Sciences
Classification: Uncertain significance for SLC2A10-related condition. Last evaluated: 2023-04-19. Review status: criteria provided, single submitter. Criteria: ACMG Guidelines, 2015. Collection method: clinical testing. Allele origin: germline.
Comment: The SLC2A10 c.1490T>C variant is predicted to result in the amino acid substitution p.Val497Ala. To our knowledge, this variant has not been reported in the literature or in a large population database, indicating this variant is rare. At this time, the clinical significance of this variant is uncertain due to the absence of conclusive functional and genetic evidence.

NM_030777.4(SLC2A10):c.1490T>C (p.Val497Ala)

Gene: SLC2A10 (solute carrier family 2 member 10; plus strand). Cytogenetic location: 20q13.12.
Variant type: single nucleotide variant.
Coding change: c.1490T>C on transcript NM_030777.4 (MANE Select); coding-DNA position 1490, T replaced by C.
Protein change: p.Val497Ala; replaces valine 497 with alanine.
Molecular consequence: missense variant.
Genome position (GRCh38, 1-based): chr20:46,729,431, T>C. VCF-style: chr20-46729431-T-C. GRCh37 (hg19) VCF-style: chr20-45358070-T-C.
Other names: short protein forms V497A.
Identifiers: ClinVar variation 2636272 (VCV002636272.1), dbSNP rs1309664066, ClinGen allele CA409273397.